The following is an entry in ClinVar:

NM_001197104.2(KMT2A):c.8906C>G (p.Ser2969Cys)

Gene: KMT2A (lysine methyltransferase 2A; plus strand). Cytogenetic location: 11q23.3.
Variant type: single nucleotide variant.
Coding change: c.8906C>G on transcript NM_001197104.2 (MANE Select); coding-DNA position 8906, C replaced by G.
Protein change: p.Ser2969Cys; replaces serine 2969 with cysteine.
Molecular consequence: missense variant.
Genome position (GRCh38, 1-based): chr11:118,504,798, C>G. VCF-style: chr11-118504798-C-G. GRCh37 (hg19) VCF-style: chr11-118375513-C-G.
Other names: c.8996C>G, p.Ser2999Cys (NM_001412597.1); c.8897C>G, p.Ser2966Cys (NM_005933.4); short protein forms S2966C, S2999C, S2969C.
Identifiers: ClinVar variation 3710018 (VCV003710018.3).

ClinVar aggregate classification (germline): Uncertain significance. Review status: criteria provided, multiple submitters, no conflicts (2 of 4 stars). 2 submissions from 2 submitters: Uncertain significance (2). Last evaluated 2025-05-27.

gnomAD v4.1: 1 of 1,614,120 alleles (0.000062%); highest among the groups gnomAD compares: Non-Finnish European, 0.000085%; no homozygotes.

Submissions (2):

Labcorp Genetics (formerly Invitae), Labcorp
Classification: Uncertain significance. Last evaluated: 2025-05-27. Review status: criteria provided, single submitter. Criteria: Invitae Variant Classification Sherloc (09022015). Collection method: clinical testing. Allele origin: germline.
Comment: This sequence change replaces serine, which is neutral and polar, with cysteine, which is neutral and slightly polar, at codon 2969 of the KMT2A protein (p.Ser2969Cys). This variant is not present in population databases (gnomAD no frequency). This variant has not been reported in the literature in individuals affected with KMT2A-related conditions. ClinVar contains an entry for this variant (Variation ID: 3710018). Invitae Evidence Modeling of protein sequence and biophysical properties (such as structural, functional, and spatial information, amino acid conservation, physicochemical variation, residue mobility, and thermodynamic stability) indicates that this missense variant is not expected to disrupt KMT2A protein function with a negative predictive value of 95%. In summary, the available evidence is currently insufficient to determine the role of this variant in disease. Therefore, it has been classified as a Variant of Uncertain Significance.

Blueprint Genetics
Classification: Uncertain significance. Last evaluated: 2021-02-26. Review status: criteria provided, single submitter. Criteria: ACMG Guidelines, 2015. Collection method: clinical testing. Allele origin: germline.